The following is an entry in ClinVar:

ClinVar aggregate classification (germline): Uncertain significance. Review status: criteria provided, multiple submitters, no conflicts (2 of 4 stars). 2 submissions from 2 submitters: Uncertain significance (2). Last evaluated 2026-04-23.

Conditions:
SAG-related disorder. Also called: SAG-related disorders; SAG-related condition.

Allele frequency attached by ClinVar (database versions not stated): ExAC 0.00007; TOPMed 0.00008; gnomAD 0.00009 and 0.00010; ESP Exome Variant Server 0.00016.
gnomAD v4.1: 26 of 1,598,308 alleles (0.0016%); highest among the groups gnomAD compares: African/African-American, 0.029%; no homozygotes.

Submissions (2):

PreventionGenetics, part of Exact Sciences
Classification: Uncertain significance for SAG-related condition. Last evaluated: 2026-04-23. Review status: criteria provided, single submitter. Criteria: ACMG Guidelines, 2015. Collection method: clinical testing. Allele origin: germline.
Comment: The SAG c.99A>C variant is predicted to result in the amino acid substitution p.Arg33Ser. To our knowledge, this variant has not been reported in the literature. This variant is present in 0.044% of alleles in individuals of African descent in gnomAD. At this time, the clinical significance of this variant is uncertain due to the absence of conclusive functional and genetic evidence.

Labcorp Genetics (formerly Invitae), Labcorp
Classification: Uncertain significance. Last evaluated: 2024-02-02. Review status: criteria provided, single submitter. Criteria: Invitae Variant Classification Sherloc (09022015). Collection method: clinical testing. Allele origin: germline.
Comment: This sequence change replaces arginine, which is basic and polar, with serine, which is neutral and polar, at codon 33 of the SAG protein (p.Arg33Ser). This variant is present in population databases (rs368817016, gnomAD 0.05%). This variant has not been reported in the literature in individuals affected with SAG-related conditions. ClinVar contains an entry for this variant (Variation ID: 1007603). Advanced modeling of protein sequence and biophysical properties (such as structural, functional, and spatial information, amino acid conservation, physicochemical variation, residue mobility, and thermodynamic stability) performed at Invitae indicates that this missense variant is expected to disrupt SAG protein function with a positive predictive value of 80%. In summary, the available evidence is currently insufficient to determine the role of this variant in disease. Therefore, it has been classified as a Variant of Uncertain Significance.

NM_000541.5(SAG):c.99A>C (p.Arg33Ser)

Gene: SAG (S-antigen visual arrestin; plus strand). Cytogenetic location: 2q37.1.
Variant type: single nucleotide variant.
Coding change: c.99A>C on transcript NM_000541.5 (MANE Select); coding-DNA position 99, A replaced by C.
Protein change: p.Arg33Ser; replaces arginine 33 with serine.
Molecular consequence: missense variant.
Genome position (GRCh38, 1-based): chr2:233,316,098, A>C. VCF-style: chr2-233316098-A-C. GRCh37 (hg19) VCF-style: chr2-234224744-A-C.
Other names: c.99A>C (NM_000541.4); short protein forms R33S.
Identifiers: ClinVar variation 1007603 (VCV001007603.9), dbSNP rs368817016, ClinGen allele CA2174215.
Genomic context (GRCh38, chr2:233,316,098, plus strand): 5'-TCTTTGGCCCTTAGACCCACACCTGTTCTTCTTGCAGGTGACCATCTACCTGGGGAACAG[A>C]GACTACATAGACCATGTCAGCCAAGTCCAGCCTGTGGGTAAGTTGCTTGGAGAAAACTGT-3'
Protein context (NP_000532.2, residues 23-43): DKSVTIYLGN[Arg33Ser]DYIDHVSQVQ